The following is an entry in ClinVar:

NM_025132.4(WDR19):c.197G>A (p.Gly66Glu)

Gene: WDR19 (WD repeat domain 19; plus strand). Cytogenetic location: 4p14.
Variant type: single nucleotide variant.
Coding change: c.197G>A on transcript NM_025132.4 (MANE Select); coding-DNA position 197, G replaced by A.
Protein change: p.Gly66Glu; replaces glycine 66 with glutamic acid.
Molecular consequence: missense variant. On other transcripts: 5 prime UTR variant (1).
Genome position (GRCh38, 1-based): chr4:39,189,688, G>A. VCF-style: chr4-39189688-G-A. GRCh37 (hg19) VCF-style: chr4-39191308-G-A.
Other names: c.-168G>A (NM_001317924.2); short protein forms G66E.
Identifiers: ClinVar variation 1362661 (VCV001362661.8), dbSNP rs780621466, ClinGen allele CA2891562.

ClinVar aggregate classification (germline): Uncertain significance (1 of 4 stars; one submission).

Conditions:
Asphyxiating thoracic dystrophy 5 (SRTD5). Also called: SHORT-RIB THORACIC DYSPLASIA 5 WITH OR WITHOUT POLYDACTYLY; SHORT-RIB THORACIC DYSPLASIA 5 WITHOUT POLYDACTYLY. Identifiers: Orphanet 474, MedGen C3280598, MONDO:0013717, OMIM 614376.
Senior-Loken syndrome 8 (SLSN8). Identifiers: Orphanet 3156, MedGen C4225376, MONDO:0014579, OMIM 616307.

Allele frequency attached by ClinVar (database versions not stated): gnomAD exomes below 0.00001; ExAC 0.00001.
gnomAD v4.1: 1 of 1,607,692 alleles (0.000062%); highest among the groups gnomAD compares: Non-Finnish European, 0.000085%; no homozygotes.

Submission:

Labcorp Genetics (formerly Invitae), Labcorp
Classification: Uncertain significance for Senior-Loken syndrome 8; Asphyxiating thoracic dystrophy 5. Last evaluated: 2023-10-29. Review status: criteria provided, single submitter. Criteria: Invitae Variant Classification Sherloc (09022015). Collection method: clinical testing. Allele origin: germline.
Comment: This sequence change replaces glycine, which is neutral and non-polar, with glutamic acid, which is acidic and polar, at codon 66 of the WDR19 protein (p.Gly66Glu). This variant is present in population databases (rs780621466, gnomAD 0.0009%). This variant has not been reported in the literature in individuals affected with WDR19-related conditions. ClinVar contains an entry for this variant (Variation ID: 1362661). Advanced modeling of protein sequence and biophysical properties (such as structural, functional, and spatial information, amino acid conservation, physicochemical variation, residue mobility, and thermodynamic stability) performed at Invitae indicates that this missense variant is expected to disrupt WDR19 protein function with a positive predictive value of 95%. In summary, the available evidence is currently insufficient to determine the role of this variant in disease. Therefore, it has been classified as a Variant of Uncertain Significance.